The following is an entry in ClinVar:

NM_003172.4(SURF1):c.833+3G>A

Gene: SURF1 (SURF1 cytochrome c oxidase assembly factor; minus strand). Cytogenetic location: 9q34.2.
Variant type: single nucleotide variant.
Coding change: c.833+3G>A on transcript NM_003172.4 (MANE Select); 3 bases into the intron after coding-DNA position 833, G replaced by A.
Molecular consequence: intron variant.
Genome position (GRCh38, 1-based): chr9:133,352,058, C>T on the plus strand (G>A on the coding strand, the complement: SURF1 is on the minus strand). VCF-style: chr9-133352058-C-T. GRCh37 (hg19) VCF-style: chr9-136218913-C-T.
Other names: c.506+3G>A (NM_001280787.1).
Identifiers: ClinVar variation 387629 (VCV000387629.6), dbSNP rs587699821, ClinGen allele CA16605652.

ClinVar aggregate classification (germline): Conflicting classifications of pathogenicity. Review status: criteria provided, conflicting classifications (1 of 4 stars). 3 submissions from 3 submitters: Uncertain significance (2); Likely benign (1). Last evaluated 2025-05-06.

Conditions:
Leigh syndrome (NULS). Also called: LEIGH SYNDROME, NUCLEAR; Leigh's necrotizing encephalopathy; Leigh's disease; Leigh Disease; Leigh Syndrome (mtDNA deletion); Leigh's syndrome. Identifiers: Orphanet 506, MedGen C2931891, MONDO:0009723, OMIM 256000.

Allele frequency attached by ClinVar (database versions not stated): gnomAD exomes below 0.00001; ExAC 0.00001; gnomAD 0.00001; 1000 Genomes Project 30x 0.00016; 1000 Genomes Project 0.00020.
gnomAD v4.1: 9 of 1,611,956 alleles (0.00056%); highest among the groups gnomAD compares: Middle Eastern, 0.017%; no homozygotes.

Submissions (3):

Women's Health and Genetics/Laboratory Corporation of America, LabCorp
Classification: Uncertain significance. Last evaluated: 2025-05-06. Review status: criteria provided, single submitter. Criteria: LabCorp Variant Classification Summary - May 2015. Collection method: clinical testing. Allele origin: germline.
Comment: Variant summary: SURF1 c.833+3G>A alters a conserved nucleotide located close to a canonical splice site and therefore could affect mRNA splicing, leading to a significantly altered protein sequence. Consensus agreement among computation tools predict no significant impact on normal splicing. However, these predictions have yet to be confirmed by functional studies. The variant allele was found at a frequency of 4.1e-06 in 246428 control chromosomes. The available data on variant occurrences in the general population are insufficient to allow any conclusion about variant significance. To our knowledge, no occurrence of c.833+3G>A in individuals affected with Charcot-Marie-Tooth disease type 4K and no experimental evidence demonstrating its impact on protein function have been reported. ClinVar contains an entry for this variant (Variation ID: 387629). Based on the evidence outlined above, the variant was classified as uncertain significance.

Labcorp Genetics (formerly Invitae), Labcorp
Classification: Uncertain significance for Leigh syndrome. Last evaluated: 2024-02-24. Review status: criteria provided, single submitter. Criteria: Invitae Variant Classification Sherloc (09022015). Collection method: clinical testing. Allele origin: germline.
Comment: This sequence change falls in intron 8 of the SURF1 gene. It does not directly change the encoded amino acid sequence of the SURF1 protein. It affects a nucleotide within the consensus splice site. This variant is present in population databases (rs587699821, gnomAD 0.003%). This variant has not been reported in the literature in individuals affected with SURF1-related conditions. ClinVar contains an entry for this variant (Variation ID: 387629). Variants that disrupt the consensus splice site are a relatively common cause of aberrant splicing (PMID: 17576681, 9536098). Algorithms developed to predict the effect of sequence changes on RNA splicing suggest that this variant is not likely to affect RNA splicing. In summary, the available evidence is currently insufficient to determine the role of this variant in disease. Therefore, it has been classified as a Variant of Uncertain Significance.

GeneDx
Classification: Likely benign. Last evaluated: 2016-07-19. Review status: criteria provided, single submitter. Criteria: GeneDx Variant Classification (06012015). Collection method: clinical testing. Allele origin: germline. Affected: yes.
Comment: This variant is considered likely benign or benign based on one or more of the following criteria: it is a conservative change, it occurs at a poorly conserved position in the protein, it is predicted to be benign by multiple in silico algorithms, and/or has population frequency not consistent with disease.

Literature cited by the submitters: PubMed 17576681 (cited by Labcorp Genetics (formerly Invitae), Labcorp); PubMed 9536098 (cited by Labcorp Genetics (formerly Invitae), Labcorp).